The following is an entry in ClinVar:

NM_000075.4(CDK4):c.*370T>G

Genes: CDK4 (cyclin dependent kinase 4; minus strand), TSPAN31 (tetraspanin 31; plus strand). Cytogenetic location: 12q14.1.
Variant type: single nucleotide variant.
Coding change: c.*370T>G on transcript NM_000075.4 (MANE Select); 370 bases downstream of the stop codon, T replaced by G.
Molecular consequence: 3 prime UTR variant.
Genome position (GRCh38, 1-based): chr12:57,748,155, A>C on the plus strand (T>G on the coding strand, the complement: CDK4 is on the minus strand). VCF-style: chr12-57748155-A-C. GRCh37 (hg19) VCF-style: chr12-58141938-A-C.
Other names: c.*865A>C (NM_001330168.2, NM_001330169.2, NM_005981.5).
Identifiers: ClinVar variation 309972 (VCV000309972.5), dbSNP rs3473, ClinGen allele CA10642102.

ClinVar aggregate classification (germline): Benign (1 of 4 stars; one submission).

Conditions:
Melanoma, cutaneous malignant, susceptibility to, 3. Also called: Cutaneous malignant melanoma 3. Identifiers: Orphanet 618, MedGen C1836892, MONDO:0012183, OMIM 609048.

Allele frequency attached by ClinVar (database versions not stated): gnomAD exomes 0.00446; gnomAD 0.03309 and 0.03562; 1000 Genomes Project 0.03654; TOPMed 0.03729; 1000 Genomes Project 30x 0.03841.
gnomAD v4.1: 5,899 of 350,076 alleles (1.7%); highest among the groups gnomAD compares: African/African-American, 11%; 326 homozygotes.

Submission:

Illumina Laboratory Services, Illumina
Classification: Benign for Melanoma, cutaneous malignant, susceptibility to, 3. Last evaluated: 2018-01-13. Review status: criteria provided, single submitter. Criteria: ICSL Variant Classification Criteria 13 December 2019. Collection method: clinical testing. Allele origin: germline.
Comment: This variant was observed in the ICSL laboratory as part of a predisposition screen in an ostensibly healthy population. It had not been previously curated by ICSL or reported in the Human Gene Mutation Database (HGMD: prior to June 1st, 2018), and was therefore a candidate for classification through an automated scoring system. Utilizing variant allele frequency, disease prevalence and penetrance estimates, and inheritance mode, an automated score was calculated to assess if this variant is too frequent to cause the disease. Based on the score and internal cut-off values, a variant classified as benign is not then subjected to further curation. The score for this variant resulted in a classification of benign for this disease.